The following is an entry in ClinVar:

NM_003041.4(SLC5A2):c.1319G>A (p.Trp440Ter)

Gene: SLC5A2 (solute carrier family 5 member 2; plus strand). Cytogenetic location: 16p11.2.
Variant type: single nucleotide variant.
Coding change: c.1319G>A on transcript NM_003041.4 (MANE Select); coding-DNA position 1319, G replaced by A.
Protein change: p.Trp440Ter; replaces tryptophan 440 with a stop codon.
Molecular consequence: nonsense.
Genome position (GRCh38, 1-based): chr16:31,488,918, G>A. VCF-style: chr16-31488918-G-A. GRCh37 (hg19) VCF-style: chr16-31500239-G-A.
Other names: c.1319G>A (NM_003041.3); short protein forms W440*.
Identifiers: ClinVar variation 3580341 (VCV003580341.2).
Genomic context (GRCh38, chr16:31,488,918, plus strand): 5'-GATCCGACGGCCTCCGCCGCAGGCTCTGGGTGGTGTTCATCGTGGTAGTGTCGGTGGCCT[G>A]GCTTCCCGTGGTGCAGGCGGCACAGGGCGGGCAGCTCTTCGATTACATCCAGGCAGTCTC-3'

ClinVar aggregate classification (germline): Pathogenic/Likely pathogenic. Review status: criteria provided, multiple submitters, no conflicts (2 of 4 stars). 2 submissions from 2 submitters: Pathogenic (1); Likely pathogenic (1). Last evaluated 2026-03-02.

Conditions:
SLC5A2-related disorder. Also called: SLC5A2-related condition.
Familial renal glucosuria (GLYS). Also called: RENAL GLUCOSURIA, AUTOSOMAL DOMINANT; Familial renal glycosuria. Identifiers: Orphanet 69076, MedGen C3245525, MONDO:0009297, OMIM 233100.

Submissions (2):

PreventionGenetics, part of Exact Sciences
Classification: Likely pathogenic for SLC5A2-related condition. Last evaluated: 2026-03-02. Review status: criteria provided, single submitter. Criteria: ACMG Guidelines, 2015. Collection method: clinical testing. Allele origin: germline.
Comment: The SLC5A2 c.1319G>A variant is predicted to result in premature protein termination (p.Trp440*). This variant was reported in the heterozygous state in an individual with renal glucosuria (Yu et al. 2016. PubMed ID: 27446256). Two additional family members were identified as carriers, and presented with elevated urinary glucose though to a lesser extent than the proband (Yu et al. 2016. PubMed ID: 27446256). An alternate nucleotide substitution resulting in a nonsense variant at this amino acid (c.1320G>A) has also been reported in association with renal glucosuria (van der Heuvel et al. 2002. PubMed ID: 12436245). The c.1319G>A variant is reported in 0.00089% of alleles in individuals of European (Non-Finnish) descent in gnomAD. This variant is interpreted as likely pathogenic.

Fulgent Genetics
Classification: Pathogenic for Familial renal glucosuria. Last evaluated: 2024-02-14. Review status: criteria provided, single submitter. Criteria: ACMG Guidelines, 2015. Collection method: clinical testing. Allele origin: germline.